The following is an entry in ClinVar:

ClinVar aggregate classification (germline): Pathogenic/Likely pathogenic. Review status: criteria provided, multiple submitters, no conflicts (2 of 4 stars). 2 submissions from 2 submitters: Pathogenic (1); Likely pathogenic (1). Last evaluated 2024-07-10.

Conditions:
Glycogen storage disease type III (GSD3). Also called: FORBES DISEASE; Cori disease. Identifiers: Orphanet 366, MedGen C0017922, MONDO:0009291, OMIM 232400.

Submissions (2):

Myriad Genetics, Inc.
Classification: Pathogenic for Glycogen storage disease type III. Last evaluated: 2024-07-10. Review status: criteria provided, single submitter. Criteria: Myriad Autosomal Dominant, Autosomal Recessive and X-Linked Classification Criteria (2023). Collection method: clinical testing. Allele origin: unknown.
Comment: NM_000642.2(AGL):c.619delG(E207Nfs*33) is expected to be pathogenic in the context of glycogen storage disease type III. This variant is predicted to lead to an abnormal or absent protein product due to the creation of a premature termination codon in AGL, a gene where loss-of-function variants are known to be pathogenic. Please note: this variant was assessed in the context of healthy population screening.

Baylor Genetics
Classification: Likely pathogenic for Glycogen storage disease type III. Last evaluated: 2023-10-12. Review status: criteria provided, single submitter. Criteria: ACMG Guidelines, 2015. Collection method: clinical testing. Allele origin: unknown.

NM_000642.3(AGL):c.619del (p.Glu207fs)

Gene: AGL (amylo-alpha-1,6-glucosidase and 4-alpha-glucanotransferase; plus strand). Cytogenetic location: 1p21.2.
Variant type: Deletion.
Coding change: c.619del on transcript NM_000642.3 (MANE Select); coding-DNA position 619, one base deleted (G; older notation c.619delG).
Protein change: p.Glu207fs; shifts the reading frame from glutamic acid 207.
Molecular consequence: frameshift variant.
Genome position (GRCh38, 1-based): chr1:99,864,544, G deleted; the last of 2 consecutive G bases (chr1:99,864,543-99,864,544); deleting either gives the same sequence. VCF-style (leftmost placement, unchanged base first): chr1-99864542-AG-A. GRCh37 (hg19) VCF-style: chr1-100330098-AG-A.
Other names: c.619del (NM_000642.2); c.619delG, p.Glu207Asnfs (NM_000028.3, NM_000643.3, NM_000644.3 and 3 more transcripts); c.571delG, p.Glu191Asnfs (NM_000646.3); c.241delG, p.Glu81Asnfs (NM_001425332.1); short protein forms E191fs, E207fs.
Identifiers: ClinVar variation 2680865 (VCV002680865.2), dbSNP rs2524517997, ClinGen allele CA2695198097.